The following is an entry in ClinVar:

ClinVar aggregate classification (germline): Likely benign (1 of 4 stars; one submission).

Conditions:
HLTF-related disorder. Also called: HLTF-related condition.

gnomAD v4.1: 1,602 of 1,462,924 alleles (0.11%); highest among the groups gnomAD compares: Non-Finnish European, 0.13%; 3 homozygotes.

Submission:

PreventionGenetics, part of Exact Sciences
Classification: Likely benign for HLTF-related condition. Last evaluated: 2025-04-22. Review status: criteria provided, single submitter. Criteria: ACMG Guidelines, 2015. Collection method: clinical testing. Allele origin: germline.
Comment: This variant is classified as likely benign based on ACMG/AMP sequence variant interpretation guidelines (Richards et al. 2015 PMID: 25741868, with internal and published modifications).

NM_003071.4(HLTF):c.2880C>T (p.Phe960=)

Gene: HLTF (helicase like transcription factor; minus strand). Cytogenetic location: 3q24.
Variant type: single nucleotide variant.
Coding change: c.2880C>T on transcript NM_003071.4 (MANE Select); coding-DNA position 2880, C replaced by T.
Protein change: p.Phe960=; no amino-acid change (phenylalanine 960 retained).
Molecular consequence: synonymous variant.
Genome position (GRCh38, 1-based): chr3:149,032,370, G>A on the plus strand (C>T on the coding strand, the complement: HLTF is on the minus strand). VCF-style: chr3-149032370-G-A. GRCh37 (hg19) VCF-style: chr3-148750157-G-A.
Other names: c.2877C>T, p.Phe959= (NM_001318934.2); c.2880C>T, p.Phe960= (NM_001318935.2, NM_139048.3).
Identifiers: ClinVar variation 4982196 (VCV004982196.1).